The following is an entry in ClinVar:

ClinVar aggregate classification (germline): Uncertain significance. Review status: criteria provided, multiple submitters, no conflicts (2 of 4 stars). 2 submissions from 2 submitters: Uncertain significance (2). Last evaluated 2022-08-19.

Conditions:
Autosomal recessive ataxia due to ubiquinone deficiency. Also called: SPINOCEREBELLAR ATAXIA, AUTOSOMAL RECESSIVE 9; Coenzyme Q10 deficiency, primary, 4. Identifiers: Orphanet 139485, MedGen C2677589, MONDO:0012784, OMIM 612016.

Submissions (2):

Labcorp Genetics (formerly Invitae), Labcorp
Classification: Uncertain significance. Last evaluated: 2022-08-19. Review status: criteria provided, single submitter. Criteria: Invitae Variant Classification Sherloc (09022015). Collection method: clinical testing. Allele origin: germline.
Comment: This variant, c.1599_1604del, results in the deletion of 2 amino acid(s) of the COQ8A protein (p.Asp533_Arg534del), but otherwise preserves the integrity of the reading frame. This variant is not present in population databases (gnomAD no frequency). This variant has not been reported in the literature in individuals affected with COQ8A-related conditions. ClinVar contains an entry for this variant (Variation ID: 986782). Experimental studies and prediction algorithms are not available or were not evaluated, and the functional significance of this variant is currently unknown. In summary, the available evidence is currently insufficient to determine the role of this variant in disease. Therefore, it has been classified as a Variant of Uncertain Significance.

Center for Human Genetics and Genomic Medicine, Uniklinik Rwth Aachen
Classification: Uncertain significance for Autosomal recessive ataxia due to ubiquinone deficiency. Last evaluated: 2020-11-11. Review status: criteria provided, single submitter. Criteria: ACMG Guidelines, 2015. Collection method: clinical testing. Allele origin: paternal. Inheritance: Autosomal recessive inheritance. Affected: yes. Observed: 1 compound heterozygote.

NM_020247.5(COQ8A):c.1593CAGGGA[1] (p.531DR[1])

Gene: COQ8A (coenzyme Q8A; plus strand). Cytogenetic location: 1q42.13.
Variant type: Microsatellite.
Coding change: c.1593CAGGGA[1] on transcript NM_020247.5 (MANE Select); one copy of the 6-base unit CAGGGA starting at c.1593; the reference has two copies in a row; one copy, 6 bases deleted.
Protein change: p.531DR[1].
Molecular consequence: inframe deletion.
Genome position (GRCh38, 1-based): chr1:226,985,280-226,985,285, CAGGGA deleted; deleting any 6 consecutive bases within chr1:226,985,272-226,985,285 gives the same sequence; the position shown is the placement nearest the transcript's 3' end. VCF-style (leftmost placement, unchanged base first): chr1-226985271-CGACAGG-C. GRCh37 (hg19) VCF-style: chr1-227172972-CGACAGG-C.
Identifiers: ClinVar variation 986782 (VCV000986782.7), dbSNP rs1660021291, ClinGen allele CA1225124728.